The following is an entry in ClinVar:

NM_001848.3(COL6A1):c.1120G>T (p.Gly374Cys)

Gene: COL6A1 (collagen type VI alpha 1 chain; plus strand). Cytogenetic location: 21q22.3.
Variant type: single nucleotide variant.
Coding change: c.1120G>T on transcript NM_001848.3 (MANE Select); coding-DNA position 1120, G replaced by T.
Protein change: p.Gly374Cys; replaces glycine 374 with cysteine.
Molecular consequence: missense variant.
Genome position (GRCh38, 1-based): chr21:45,992,010, G>T. VCF-style: chr21-45992010-G-T. GRCh37 (hg19) VCF-style: chr21-47411924-G-T.
Other names: short protein forms G374C.
Identifiers: ClinVar variation 4726197 (VCV004726197.1).

ClinVar aggregate classification (germline): Uncertain significance (1 of 4 stars; one submission).

Conditions:
Bethlem myopathy 1A. Also called: MYOPATHY, BENIGN CONGENITAL, WITH CONTRACTURES; Bethlem myopathy 1; Bethlem Muscular Dystrophy. Identifiers: Orphanet 610, MedGen CN029274, MONDO:0024530, OMIM 158810.

Submission:

Labcorp Genetics (formerly Invitae), Labcorp
Classification: Uncertain significance for Bethlem myopathy 1A. Last evaluated: 2025-12-03. Review status: criteria provided, single submitter. Criteria: Invitae Variant Classification Sherloc (09022015). Collection method: clinical testing. Allele origin: germline.
Comment: This sequence change replaces glycine, which is neutral and non-polar, with cysteine, which is neutral and slightly polar, at codon 374 of the COL6A1 protein (p.Gly374Cys). This variant is not present in population databases (gnomAD no frequency). This variant has not been reported in the literature in individuals affected with COL6A1-related conditions. Experimental studies and prediction algorithms are not available or were not evaluated, and the functional significance of this variant is currently unknown. Algorithms developed to predict the effect of sequence changes on RNA splicing suggest that this variant may disrupt the consensus splice site. This variant disrupts the triple helix domain of COL6A1. Glycine residues within the Gly-Xaa-Yaa repeats of the triple helix domain are required for the structure and stability of fibrillar collagens (PMID: 7695699, 8218237, 19344236). In COL6A1, variants at these glycine residues are significantly enriched in individuals with autosomal dominant disease (PMID: 15689448, 24038877) compared to the general population (ExAC). In summary, the available evidence is currently insufficient to determine the role of this variant in disease. Therefore, it has been classified as a Variant of Uncertain Significance.

Literature cited by the submitters: PubMed 7695699; PubMed 8218237; PubMed 19344236; PubMed 15689448; PubMed 24038877.